The following is an entry in ClinVar:

NC_000005.10:g.(?_80787555)_(80787682_?)del

Gene: MSH3 (mutS homolog 3; plus strand). Cytogenetic location: 5q14.1.
Variant type: Deletion.
Identifiers: ClinVar variation 831628 (VCV000831628.6).

ClinVar aggregate classification (germline): Uncertain significance (1 of 4 stars; one submission).

Submission:

Labcorp Genetics (formerly Invitae), Labcorp
Classification: Uncertain significance. Last evaluated: 2020-08-31. Review status: criteria provided, single submitter. Criteria: Invitae Variant Classification Sherloc (09022015). Collection method: clinical testing. Allele origin: germline.
Comment: This variant has not been reported in the literature in individuals with MSH3-related conditions. In summary, the available evidence is currently insufficient to determine the role of this variant in disease. Therefore, it has been classified as a Variant of Uncertain Significance. Experimental studies and prediction algorithms are not available or were not evaluated for this variant, and the functional significance of the affected amino acid(s) is currently unknown. This variant is an in-frame deletion of the genomic region encompassing exon 18 of the MSH3 gene. It preserves the integrity of the reading frame.